The following is an entry in ClinVar:

NM_025103.4(IFT74):c.1723A>G (p.Ile575Val)

Gene: IFT74 (intraflagellar transport 74; plus strand). Cytogenetic location: 9p21.2.
Variant type: single nucleotide variant.
Coding change: c.1723A>G on transcript NM_025103.4 (MANE Select); coding-DNA position 1723, A replaced by G.
Protein change: p.Ile575Val; replaces isoleucine 575 with valine.
Molecular consequence: missense variant. On other transcripts: 3 prime UTR variant (1).
Genome position (GRCh38, 1-based): chr9:27,062,656, A>G. VCF-style: chr9-27062656-A-G. GRCh37 (hg19) VCF-style: chr9-27062654-A-G.
Other names: c.1723A>G, p.Ile575Val (NM_001099222.3, NM_001099223.3); c.*659A>G (NM_001349928.2); short protein forms I575V.
Identifiers: ClinVar variation 1929173 (VCV001929173.3), dbSNP rs533436315, ClinGen allele CA5015771.

ClinVar aggregate classification (germline): Uncertain significance (1 of 4 stars; one submission).

Allele frequency attached by ClinVar (database versions not stated): gnomAD exomes below 0.00001; ExAC 0.00001; gnomAD 0.00001; TOPMed 0.00001; 1000 Genomes Project 30x 0.00016; 1000 Genomes Project 0.00020.
gnomAD v4.1: 2 of 1,610,276 alleles (0.00012%); highest among the groups gnomAD compares: East Asian, 0.0022%; no homozygotes.

Submission:

Labcorp Genetics (formerly Invitae), Labcorp
Classification: Uncertain significance. Last evaluated: 2022-08-11. Review status: criteria provided, single submitter. Criteria: Invitae Variant Classification Sherloc (09022015). Collection method: clinical testing. Allele origin: germline.
Comment: This variant has not been reported in the literature in individuals affected with IFT74-related conditions. In summary, the available evidence is currently insufficient to determine the role of this variant in disease. Therefore, it has been classified as a Variant of Uncertain Significance. Algorithms developed to predict the effect of missense changes on protein structure and function output the following: SIFT: "Tolerated"; PolyPhen-2: "Benign"; Align-GVGD: "Class C0". The valine amino acid residue is found in multiple mammalian species, which suggests that this missense change does not adversely affect protein function. This variant is present in population databases (rs533436315, gnomAD 0.006%). This sequence change replaces isoleucine, which is neutral and non-polar, with valine, which is neutral and non-polar, at codon 575 of the IFT74 protein (p.Ile575Val).